The following is an entry in ClinVar:

NM_020795.4(NLGN2):c.1401T>C (p.Thr467=)

Gene: NLGN2 (neuroligin 2; plus strand). Cytogenetic location: 17p13.1.
Variant type: single nucleotide variant.
Coding change: c.1401T>C on transcript NM_020795.4 (MANE Select); coding-DNA position 1401, T replaced by C.
Protein change: p.Thr467=; no amino-acid change (threonine 467 retained).
Molecular consequence: synonymous variant.
Genome position (GRCh38, 1-based): chr17:7,415,874, T>C. VCF-style: chr17-7415874-T-C. GRCh37 (hg19) VCF-style: chr17-7319193-T-C.
Identifiers: ClinVar variation 4083888 (VCV004083888.8).
Genomic context (GRCh38, chr17:7,415,874, plus strand): 5'-CCGCAAAACCCTGCTGGCGCTCTTTACTGACCACCAATGGGTGGCACCAGCTGTGGCCAC[T>C]GCCAAGCTGCACGCCGACTACCAGTCTCCCGTCTACTTTTACACCTTCTACCACCACTGC-3'
Protein context (NP_065846.1, residues 457-477): DHQWVAPAVA[Thr467=]AKLHADYQSP

ClinVar aggregate classification (germline): Likely benign (1 of 4 stars; one submission).

Submission:

CeGaT Center for Human Genetics Tuebingen
Classification: Likely benign. Last evaluated: 2025-07-01. Review status: criteria provided, single submitter. Criteria: CeGaT Center For Human Genetics Tuebingen Variant Classification Criteria Version 2. Collection method: clinical testing. Allele origin: germline. Affected: yes. Observed: 1 variant allele.
Comment: NLGN2: BP4, BP7